The following is an entry in ClinVar:

ClinVar aggregate classification (germline): Uncertain significance (1 of 4 stars; one submission).

Conditions:
Inborn genetic diseases. Identifiers: MedGen C0950123, MeSH D030342.

Submission:

Ambry Genetics
Classification: Uncertain significance for Inborn genetic diseases. Last evaluated: 2023-09-28. Review status: criteria provided, single submitter. Criteria: Ambry Variant Classification Scheme 2023. Collection method: clinical testing. Allele origin: germline.
Comment: The p.L2343M variant (also known as c.7027C>A), located in coding exon 47 of the LRRK2 gene, results from a C to A substitution at nucleotide position 7027. The leucine at codon 2343 is replaced by methionine, an amino acid with highly similar properties. This amino acid position is conserved. In addition, this alteration is predicted to be tolerated by in silico analysis. Since supporting evidence is limited at this time, the clinical significance of this alteration remains unclear.

NM_198578.4(LRRK2):c.7027C>A (p.Leu2343Met)

Gene: LRRK2 (leucine rich repeat kinase 2; plus strand). Cytogenetic location: 12q12.
Variant type: single nucleotide variant.
Coding change: c.7027C>A on transcript NM_198578.4 (MANE Select); coding-DNA position 7027, C replaced by A.
Protein change: p.Leu2343Met; replaces leucine 2343 with methionine.
Molecular consequence: missense variant.
Genome position (GRCh38, 1-based): chr12:40,359,443, C>A. VCF-style: chr12-40359443-C-A. GRCh37 (hg19) VCF-style: chr12-40753245-C-A.
Other names: short protein forms L2343M.
Identifiers: ClinVar variation 3229769 (VCV003229769.1), dbSNP rs1448344529, ClinGen allele CA384412210.